The following is an entry in ClinVar:

ClinVar aggregate classification (germline): Uncertain significance (1 of 4 stars; one submission).

Conditions:
Cystic fibrosis (CF). Also called: MUCOVISCIDOSIS. Identifiers: Orphanet 586, MedGen C0010674, MONDO:0009061, OMIM 219700. Disease mechanism: loss of function.

Submission:

Labcorp Genetics (formerly Invitae), Labcorp
Classification: Uncertain significance for Cystic fibrosis. Last evaluated: 2022-02-03. Review status: criteria provided, single submitter. Criteria: Invitae Variant Classification Sherloc (09022015). Collection method: clinical testing. Allele origin: germline.
Comment: Algorithms developed to predict the effect of missense changes on protein structure and function are either unavailable or do not agree on the potential impact of this missense change (SIFT: "Deleterious"; PolyPhen-2: "Possibly Damaging"; Align-GVGD: "Class C0"). In summary, the available evidence is currently insufficient to determine the role of this variant in disease. Therefore, it has been classified as a Variant of Uncertain Significance. ClinVar contains an entry for this variant (Variation ID: 654289). This variant has not been reported in the literature in individuals affected with CFTR-related conditions. This variant is not present in population databases (gnomAD no frequency). This sequence change replaces isoleucine, which is neutral and non-polar, with lysine, which is basic and polar, at codon 1151 of the CFTR protein (p.Ile1151Lys).

NM_000492.4(CFTR):c.3452T>A (p.Ile1151Lys)

Genes: CFTR (CF transmembrane conductance regulator; plus strand), CFTR-AS2 (CFTR antisense RNA 2; minus strand). Cytogenetic location: 7q31.2.
Variant type: single nucleotide variant.
Coding change: c.3452T>A on transcript NM_000492.4 (MANE Select); coding-DNA position 3452, T replaced by A.
Protein change: p.Ile1151Lys; replaces isoleucine 1151 with lysine.
Molecular consequence: missense variant.
Genome position (GRCh38, 1-based): chr7:117,614,697, T>A. VCF-style: chr7-117614697-T-A. GRCh37 (hg19) VCF-style: chr7-117254751-T-A.
Other names: short protein forms I1151K.
Identifiers: ClinVar variation 654289 (VCV000654289.8), dbSNP rs1584824269, ClinGen allele CA368993684.